The following is an entry in ClinVar:

NM_182914.3(SYNE2):c.641T>A (p.Met214Lys)

Gene: SYNE2 (spectrin repeat containing nuclear envelope protein 2; plus strand). Cytogenetic location: 14q23.2.
Variant type: single nucleotide variant.
Coding change: c.641T>A on transcript NM_182914.3 (MANE Select); coding-DNA position 641, T replaced by A.
Protein change: p.Met214Lys; replaces methionine 214 with lysine.
Molecular consequence: missense variant.
Genome position (GRCh38, 1-based): chr14:63,954,769, T>A. VCF-style: chr14-63954769-T-A. GRCh37 (hg19) VCF-style: chr14-64421487-T-A.
Other names: c.641T>A, p.Met214Lys (NM_015180.6); c.641T>A (NM_182914.2); short protein forms M214K.
Identifiers: ClinVar variation 3672810 (VCV003672810.3).

ClinVar aggregate classification (germline): Uncertain significance. Review status: criteria provided, multiple submitters, no conflicts (2 of 4 stars). 2 submissions from 2 submitters: Uncertain significance (2). Last evaluated 2025-10-14.

Conditions:
Emery-Dreifuss muscular dystrophy 5, autosomal dominant (EDMD5). Also called: EMERY-DREIFUSS MUSCULAR DYSTROPHY 5. Identifiers: Orphanet 261, MedGen C2751805, MONDO:0013072, OMIM 612999.

gnomAD v4.1: 14 of 1,613,986 alleles (0.00087%); highest among the groups gnomAD compares: African/African-American, 0.017%; no homozygotes.

Submissions (2):

Ambry Genetics
Classification: Uncertain significance. Last evaluated: 2025-10-14. Review status: criteria provided, single submitter. Criteria: Ambry Variant Classification Scheme 2023. Collection method: clinical testing. Allele origin: germline.

Labcorp Genetics (formerly Invitae), Labcorp
Classification: Uncertain significance for Emery-Dreifuss muscular dystrophy 5, autosomal dominant. Last evaluated: 2024-05-02. Review status: criteria provided, single submitter. Criteria: Invitae Variant Classification Sherloc (09022015). Collection method: clinical testing. Allele origin: germline.
Comment: This sequence change replaces methionine, which is neutral and non-polar, with lysine, which is basic and polar, at codon 214 of the SYNE2 protein (p.Met214Lys). This variant is present in population databases (no rsID available, gnomAD 0.02%). This variant has not been reported in the literature in individuals affected with SYNE2-related conditions. An algorithm developed to predict the effect of missense changes on protein structure and function (PolyPhen-2) suggests that this variant is likely to be tolerated. In summary, the available evidence is currently insufficient to determine the role of this variant in disease. Therefore, it has been classified as a Variant of Uncertain Significance.